The following is an entry in ClinVar:

ClinVar aggregate classification (germline): Uncertain significance (1 of 4 stars; one submission).

Submission:

GeneDx
Classification: Uncertain significance. Last evaluated: 2024-12-19. Review status: criteria provided, single submitter. Criteria: GeneDx Variant Classification Process June 2021. Collection method: clinical testing. Allele origin: germline. Affected: yes.
Comment: Not observed at significant frequency in large population cohorts (gnomAD); In silico analysis supports that this missense variant has a deleterious effect on protein structure/function; Has not been previously published as pathogenic or benign to our knowledge

NM_015570.4(AUTS2):c.2134T>G (p.Phe712Val)

Gene: AUTS2 (activator of transcription and developmental regulator AUTS2; plus strand). Cytogenetic location: 7q11.22.
Variant type: single nucleotide variant.
Coding change: c.2134T>G on transcript NM_015570.4 (MANE Select); coding-DNA position 2134, T replaced by G.
Protein change: p.Phe712Val; replaces phenylalanine 712 with valine.
Molecular consequence: missense variant.
Genome position (GRCh38, 1-based): chr7:70,781,744, T>G. VCF-style: chr7-70781744-T-G. GRCh37 (hg19) VCF-style: chr7-70246730-T-G.
Other names: c.2062T>G, p.Phe688Val (NM_001127231.3); short protein forms F688V, F712V.
Identifiers: ClinVar variation 3906822 (VCV003906822.1).
Genomic context (GRCh38, chr7:70,781,744, plus strand): 5'-GGCCCCAGTCTTTTTGGAGCCATCCACCACCCCCATGACCTGGCACGGCCTTCAACTTTG[T>G]TCTCTGCCGCTGGTGAGTGTGGGTTTGGGTGGGGGGACAGAGCTGAGAAATGTAGTTCTC-3'
Protein context (NP_056385.1, residues 702-722): PHDLARPSTL[Phe712Val]SAAGAAHPTG